The following is an entry in ClinVar:

NM_001029896.2(WDR45):c.974-4C>A

Gene: WDR45 (WD repeat domain 45; minus strand). Cytogenetic location: Xp11.23.
Variant type: single nucleotide variant.
Coding change: c.974-4C>A on transcript NM_001029896.2 (MANE Select); 4 bases into the intron before coding-DNA position 974, C replaced by A.
Molecular consequence: intron variant.
Genome position (GRCh38, 1-based): chrX:49,074,916, G>T on the plus strand (C>A on the coding strand, the complement: WDR45 is on the minus strand). VCF-style: chrX-49074916-G-T. GRCh37 (hg19) VCF-style: chrX-48932575-G-T.
Other names: c.977-4C>A (NM_007075.4).
Identifiers: ClinVar variation 681523 (VCV000681523.9), dbSNP rs781876689, ClinGen allele CA10408423.
Genomic context (GRCh38, chrX:49,074,916, plus strand): 5'-TGCAGTTTCCATCAGGAGTGAAGACATATTTGTGGAAGGTCCCATCTACGCAGATGGCTG[G>T]GGGAGGGGGGGTGGTAAAAGGTCAGAGGCTGCCACAGCCACAGGCTCCAGTCCTCTCAGG-3'

ClinVar aggregate classification (germline): Benign/Likely benign. Review status: criteria provided, multiple submitters, no conflicts (2 of 4 stars). 3 submissions from 3 submitters: Benign (1); Likely benign (2). Last evaluated 2025-02-16.

Conditions:
Neurodegeneration with brain iron accumulation 5 (NBIA5). Also called: Beta-propeller protein-associated neurodegeneration; STATIC ENCEPHALOPATHY OF CHILDHOOD WITH NEURODEGENERATION IN ADULTHOOD. Identifiers: Orphanet 329284, MedGen C3550973, MONDO:0010476, OMIM 300894.

Allele frequency attached by ClinVar (database versions not stated): ExAC 0.00001; TOPMed 0.00001; gnomAD 0.00008 and 0.00009.
gnomAD v4.1: 13 of 1,190,580 alleles (0.0011%); highest among the groups gnomAD compares: Non-Finnish European, 0.0015%; no homozygotes.

Submissions (3):

Laboratory of Genetics, Children's Clinical University Hospital Latvia
Classification: Likely benign. Last evaluated: 2025-02-16. Review status: criteria provided, single submitter. Criteria: ACMG Guidelines, 2015. Collection method: clinical testing. Allele origin: germline. Affected: yes.

Labcorp Genetics (formerly Invitae), Labcorp
Classification: Benign for Neurodegeneration with brain iron accumulation 5. Last evaluated: 2022-08-11. Review status: criteria provided, single submitter. Criteria: Invitae Variant Classification Sherloc (09022015). Collection method: clinical testing. Allele origin: germline.

GeneDx
Classification: Likely benign. Last evaluated: 2018-04-06. Review status: criteria provided, single submitter. Criteria: GeneDx Variant Classification (06012015). Collection method: clinical testing. Allele origin: germline. Affected: yes.
Comment: This variant is considered likely benign or benign based on one or more of the following criteria: it is a conservative change, it occurs at a poorly conserved position in the protein, it is predicted to be benign by multiple in silico algorithms, and/or has population frequency not consistent with disease.